The following is an entry in ClinVar:

NM_001256007.3(PNPLA8):c.1879-4G>C

Gene: PNPLA8 (patatin like domain 8, phospholipase A2; minus strand). Cytogenetic location: 7q31.1.
Variant type: single nucleotide variant.
Coding change: c.1879-4G>C on transcript NM_001256007.3 (MANE Select); 4 bases into the intron before coding-DNA position 1879, G replaced by C.
Molecular consequence: intron variant.
Genome position (GRCh38, 1-based): chr7:108,479,383, C>G on the plus strand (G>C on the coding strand, the complement: PNPLA8 is on the minus strand). VCF-style: chr7-108479383-C-G. GRCh37 (hg19) VCF-style: chr7-108119827-C-G.
Other names: c.1579-4G>C (NM_001256011.3, NM_001256010.3); c.1693-4G>C (NM_001256009.3); c.1879-4G>C (NM_001256008.3, NM_015723.5).
Identifiers: ClinVar variation 2228717 (VCV002228717.5), dbSNP rs765251445, ClinGen allele CA4439435.

ClinVar aggregate classification (germline): Conflicting classifications of pathogenicity. Review status: criteria provided, conflicting classifications (1 of 4 stars). 2 submissions from 2 submitters: Uncertain significance (1); Likely benign (1). Last evaluated 2024-06-16.

Conditions:
Inborn genetic diseases. Identifiers: MedGen C0950123, MeSH D030342.

Allele frequency attached by ClinVar (database versions not stated): ExAC 0.00001.
gnomAD v4.1: 20 of 1,592,930 alleles (0.0013%); highest among the groups gnomAD compares: African/African-American, 0.024%; no homozygotes.

Submissions (2):

Labcorp Genetics (formerly Invitae), Labcorp
Classification: Likely benign. Last evaluated: 2024-06-16. Review status: criteria provided, single submitter. Criteria: Invitae Variant Classification Sherloc (09022015). Collection method: clinical testing. Allele origin: germline.

Ambry Genetics
Classification: Uncertain significance for Inborn genetic diseases. Last evaluated: 2022-01-21. Review status: criteria provided, single submitter. Criteria: Ambry Variant Classification Scheme 2023. Collection method: clinical testing. Allele origin: germline.
Comment: The c.1879-4G>C intronic alteration consists of a G to C substitution 4 nucleotides before coding exon 8 in the PNPLA8 gene. In silico splice site analysis predicts that this alteration will not have any significant effect on splicing. Based on insufficient or conflicting evidence, the clinical significance of this alteration remains unclear.